The following is an entry in ClinVar:

NM_032656.4(DHX37):c.2453+5G>A

Gene: DHX37 (DEAH-box helicase 37; minus strand). Cytogenetic location: 12q24.31.
Variant type: single nucleotide variant.
Coding change: c.2453+5G>A on transcript NM_032656.4 (MANE Select); 5 bases into the intron after coding-DNA position 2453, G replaced by A.
Molecular consequence: intron variant.
Genome position (GRCh38, 1-based): chr12:124,956,686, C>T on the plus strand (G>A on the coding strand, the complement: DHX37 is on the minus strand). VCF-style: chr12-124956686-C-T. GRCh37 (hg19) VCF-style: chr12-125441232-C-T.
Identifiers: ClinVar variation 3615514 (VCV003615514.2).

ClinVar aggregate classification (germline): Uncertain significance (1 of 4 stars; one submission).

gnomAD v4.1: 7 of 1,546,076 alleles (0.00045%); highest among the groups gnomAD compares: Admixed American, 0.0055%; no homozygotes.

Submission:

Labcorp Genetics (formerly Invitae), Labcorp
Classification: Uncertain significance. Last evaluated: 2024-12-31. Review status: criteria provided, single submitter. Criteria: Invitae Variant Classification Sherloc (09022015). Collection method: clinical testing. Allele origin: germline.
Comment: This sequence change falls in intron 18 of the DHX37 gene. It does not directly change the encoded amino acid sequence of the DHX37 protein. It affects a nucleotide within the consensus splice site. This variant is present in population databases (no rsID available, gnomAD 0.004%). This variant has not been reported in the literature in individuals affected with DHX37-related conditions. Variants that disrupt the consensus splice site are a relatively common cause of aberrant splicing (PMID: 17576681, 9536098). Algorithms developed to predict the effect of sequence changes on RNA splicing suggest that this variant may disrupt the consensus splice site. In summary, the available evidence is currently insufficient to determine the role of this variant in disease. Therefore, it has been classified as a Variant of Uncertain Significance.

Literature cited by the submitters: PubMed 17576681; PubMed 9536098.